The following is an entry in ClinVar:

ClinVar aggregate classification (germline): Uncertain significance. Review status: criteria provided, multiple submitters, no conflicts (2 of 4 stars). 2 submissions from 2 submitters: Uncertain significance (2). Last evaluated 2022-10-10.

Conditions:
Cardiovascular phenotype. Identifiers: MedGen CN230736.

Submissions (2):

Blueprint Genetics
Classification: Uncertain significance. Last evaluated: 2022-10-10. Review status: criteria provided, single submitter. Criteria: ACMG Guidelines, 2015. Collection method: clinical testing. Allele origin: germline.

Ambry Genetics
Classification: Uncertain significance for Cardiovascular phenotype. Last evaluated: 2019-12-05. Review status: criteria provided, single submitter. Criteria: Ambry Variant Classification Scheme 2023. Collection method: clinical testing. Allele origin: germline.
Comment: The p.D641E variant (also known as c.1923C>G), located in coding exon 19 of the RYR2 gene, results from a C to G substitution at nucleotide position 1923. The aspartic acid at codon 641 is replaced by glutamic acid, an amino acid with highly similar properties. This amino acid position is highly conserved in available vertebrate species. In addition, the in silico prediction for this alteration is inconclusive. Since supporting evidence is limited at this time, the clinical significance of this alteration remains unclear.

NM_001035.3(RYR2):c.1923C>G (p.Asp641Glu)

Gene: RYR2 (ryanodine receptor 2; plus strand). Cytogenetic location: 1q43.
Variant type: single nucleotide variant.
Coding change: c.1923C>G on transcript NM_001035.3 (MANE Select); coding-DNA position 1923, C replaced by G.
Protein change: p.Asp641Glu; replaces aspartic acid 641 with glutamic acid.
Molecular consequence: missense variant.
Genome position (GRCh38, 1-based): chr1:237,493,049, C>G. VCF-style: chr1-237493049-C-G. GRCh37 (hg19) VCF-style: chr1-237656349-C-G.
Other names: short protein forms D641E.
Identifiers: ClinVar variation 1782723 (VCV001782723.3), dbSNP rs2545803403, ClinGen allele CA345389711.